The following is an entry in ClinVar:

NM_004415.4(DSP):c.1973A>G (p.Asn658Ser)

Gene: DSP (desmoplakin; plus strand). Cytogenetic location: 6p24.3.
Variant type: single nucleotide variant.
Coding change: c.1973A>G on transcript NM_004415.4 (MANE Select); coding-DNA position 1973, A replaced by G.
Protein change: p.Asn658Ser; replaces asparagine 658 with serine.
Molecular consequence: missense variant.
Genome position (GRCh38, 1-based): chr6:7,571,911, A>G. VCF-style: chr6-7571911-A-G. GRCh37 (hg19) VCF-style: chr6-7572144-A-G.
Other names: c.1973A>G, p.Asn658Ser (NM_001008844.3, NM_001319034.2); short protein forms N658S.
Identifiers: ClinVar variation 843560 (VCV000843560.20), dbSNP rs749183448, ClinGen allele CA031014.

ClinVar aggregate classification (germline): Conflicting classifications of pathogenicity. Review status: criteria provided, conflicting classifications (1 of 4 stars). 5 submissions from 5 submitters: Uncertain significance (3); Likely benign (2). Last evaluated 2025-12-27.

Conditions:
Cardiomyopathy (CMYO). Also called: Cardiomyopathies. Identifiers: Orphanet 167848, MedGen C0878544, MONDO:0004994, HP:0001638. Inheritance: Various modes of inheritance.
Cardiovascular phenotype. Identifiers: MedGen CN230736.
Arrhythmogenic cardiomyopathy with wooly hair and keratoderma. Also called: Carvajal syndrome; Dilated cardiomyopathy with woolly hair and keratoderma; Arrhythmogenic cardiomyopathy with woolly hair and keratoderma; PALMOPLANTAR KERATODERMA WITH LEFT VENTRICULAR CARDIOMYOPATHY AND WOOLLY HAIR. Identifiers: Orphanet 65282, MedGen C1854063, MONDO:0011581, OMIM 605676.
Arrhythmogenic right ventricular dysplasia 8 (ARVD8). Also called: Arrhythmogenic Right Ventricular Dysplasia/Cardiomyopathy 8; ARRHYTHMOGENIC RIGHT VENTRICULAR CARDIOMYOPATHY 8; ARRHYTHMOGENIC RIGHT VENTRICULAR DYSPLASIA, FAMILIAL, 8. Identifiers: MedGen C1843896, MONDO:0011831, OMIM 607450.

Allele frequency attached by ClinVar (database versions not stated): ExAC 0.00001; gnomAD 0.00001; gnomAD exomes 0.00002; TOPMed 0.00002.

Submissions (5):

Labcorp Genetics (formerly Invitae), Labcorp
Classification: Likely benign for Arrhythmogenic cardiomyopathy with wooly hair and keratoderma; Arrhythmogenic right ventricular dysplasia 8. Last evaluated: 2025-12-27. Review status: criteria provided, single submitter. Criteria: Invitae Variant Classification Sherloc (09022015). Collection method: clinical testing. Allele origin: germline.

Color Diagnostics, LLC DBA Color Health
Classification: Uncertain significance for Cardiomyopathy. Last evaluated: 2025-07-29. Review status: criteria provided, single submitter. Criteria: ACMG Guidelines, 2015. Collection method: clinical testing. Allele origin: germline.
Comment: This missense variant replaces asparagine with serine at codon 658 of the DSP protein. Computational prediction suggests that this variant may not impact protein structure and function. To our knowledge, functional studies have not been reported for this variant. This variant has been reported in an individual affected with dilated cardiomyopathy (PMID: 31983221, 37652022). This variant has been identified in 6/282542 chromosomes in the general population by the Genome Aggregation Database (gnomAD). The available evidence is insufficient to determine the role of this variant in disease conclusively. Therefore, this variant is classified as a Variant of Uncertain Significance.

GeneDx
Classification: Uncertain significance. Last evaluated: 2025-02-09. Review status: criteria provided, single submitter. Criteria: GeneDx Variant Classification Process June 2021. Collection method: clinical testing. Allele origin: germline. Affected: yes.
Comment: Identified in a cohort of individuals with dilated cardiomyopathy, however patient specific clinical information was not provided (PMID: 31983221); In silico analysis indicates that this missense variant does not alter protein structure/function; This variant is associated with the following publications: (PMID: 37652022, 31983221)

Ambry Genetics
Classification: Likely benign for Cardiovascular phenotype. Last evaluated: 2025-01-08. Review status: criteria provided, single submitter. Criteria: Ambry Variant Classification Scheme 2023. Collection method: clinical testing. Allele origin: germline.

Women's Health and Genetics/Laboratory Corporation of America, LabCorp
Classification: Uncertain significance. Last evaluated: 2024-11-26. Review status: criteria provided, single submitter. Criteria: LabCorp Variant Classification Summary - May 2015. Collection method: clinical testing. Allele origin: germline.
Comment: Variant summary: DSP c.1973A>G (p.Asn658Ser) results in a conservative amino acid change in the encoded protein sequence. Four of five in-silico tools predict a benign effect of the variant on protein function. The variant allele was found at a frequency of 2e-05 in 251146 control chromosomes (gnomAD). The available data on variant occurrences in the general population are insufficient to allow any conclusion about variant significance. c.1973A>G has been reported in the literature in individuals affected with DSP-related conditions (examples: Mazzarotto_2020, McGurk_2023). These report(s) do not provide unequivocal conclusions about association of the variant with Arrhythmogenic Right Ventricular Dysplasia/Cardiomyopathy. The following publications have been ascertained in the context of this evaluation (PMID: 31983221, 37652022). To our knowledge, no experimental evidence demonstrating an impact on protein function has been reported. ClinVar contains an entry for this variant (Variation ID: 843560). Based on the evidence outlined above, the variant was classified as uncertain significance.

Literature cited by the submitters: PubMed 31983221 (cited by 3 submitters); PubMed 37652022 (cited by Color Diagnostics, LLC DBA Color Health and Women's Health and Genetics/Laboratory Corporation of America, LabCorp).